The following is an entry in ClinVar:

NM_014339.7(IL17RA):c.643C>T (p.His215Tyr)

Gene: IL17RA (interleukin 17 receptor A; plus strand). Cytogenetic location: 22q11.1.
Variant type: single nucleotide variant.
Coding change: c.643C>T on transcript NM_014339.7 (MANE Select); coding-DNA position 643, C replaced by T.
Protein change: p.His215Tyr; replaces histidine 215 with tyrosine.
Molecular consequence: missense variant.
Genome position (GRCh38, 1-based): chr22:17,102,183, C>T. VCF-style: chr22-17102183-C-T. GRCh37 (hg19) VCF-style: chr22-17583073-C-T.
Other names: c.643C>T, p.His215Tyr (NM_001289905.2); short protein forms H215Y.
Identifiers: ClinVar variation 2087629 (VCV002087629.4), dbSNP rs2517164425, ClinGen allele CA410212985.

ClinVar aggregate classification (germline): Uncertain significance (1 of 4 stars; one submission).

Conditions:
Immunodeficiency 51 (IMD51). Also called: CANDIDIASIS, FAMILIAL, 5. Identifiers: Orphanet 1334, MedGen C4310803, MONDO:0013500, OMIM 613953.

Allele frequency attached by ClinVar (database versions not stated): gnomAD exomes below 0.00001.

Submission:

Labcorp Genetics (formerly Invitae), Labcorp
Classification: Uncertain significance for Immunodeficiency 51. Last evaluated: 2022-01-18. Review status: criteria provided, single submitter. Criteria: Invitae Variant Classification Sherloc (09022015). Collection method: clinical testing. Allele origin: germline.
Comment: This variant has not been reported in the literature in individuals affected with IL17RA-related conditions. In summary, the available evidence is currently insufficient to determine the role of this variant in disease. Therefore, it has been classified as a Variant of Uncertain Significance. Algorithms developed to predict the effect of missense changes on protein structure and function output the following: SIFT: "Tolerated"; PolyPhen-2: "Benign"; Align-GVGD: "Class C0". The tyrosine amino acid residue is found in multiple mammalian species, which suggests that this missense change does not adversely affect protein function. This variant is not present in population databases (gnomAD no frequency). This sequence change replaces histidine, which is basic and polar, with tyrosine, which is neutral and polar, at codon 215 of the IL17RA protein (p.His215Tyr).